The following is an entry in ClinVar:

ClinVar aggregate classification (germline): Uncertain significance. Review status: criteria provided, multiple submitters, no conflicts (2 of 4 stars). 2 submissions from 2 submitters: Uncertain significance (2). Last evaluated 2025-03-07.

Conditions:
Gorlin syndrome. Also called: Basal cell nevus syndrome; Nevoid Basal Cell Carcinoma Syndrome. Identifiers: Orphanet 377, MedGen C0004779, MONDO:0007187.

gnomAD v4.1: 4 of 1,613,962 alleles (0.00025%); highest among the groups gnomAD compares: Non-Finnish European, 0.00034%; no homozygotes.

Submissions (2):

Labcorp Genetics (formerly Invitae), Labcorp
Classification: Uncertain significance for Gorlin syndrome. Last evaluated: 2025-03-07. Review status: criteria provided, single submitter. Criteria: Invitae Variant Classification Sherloc (09022015). Collection method: clinical testing. Allele origin: germline.
Comment: This sequence change replaces valine, which is neutral and non-polar, with alanine, which is neutral and non-polar, at codon 993 of the PTCH2 protein (p.Val993Ala). This variant is present in population databases (rs752074155, gnomAD 0.0009%). This variant has not been reported in the literature in individuals affected with PTCH2-related conditions. ClinVar contains an entry for this variant (Variation ID: 3427356). An algorithm developed to predict the effect of missense changes on protein structure and function (PolyPhen-2) suggests that this variant is likely to be disruptive. In summary, the available evidence is currently insufficient to determine the role of this variant in disease. Therefore, it has been classified as a Variant of Uncertain Significance.

Ambry Genetics
Classification: Uncertain significance. Last evaluated: 2024-07-17. Review status: criteria provided, single submitter. Criteria: Ambry Variant Classification Scheme 2023. Collection method: clinical testing. Allele origin: germline.

NM_003738.5(PTCH2):c.2978T>C (p.Val993Ala)

Gene: PTCH2 (patched 2; minus strand). Cytogenetic location: 1p34.1.
Variant type: single nucleotide variant.
Coding change: c.2978T>C on transcript NM_003738.5 (MANE Select); coding-DNA position 2978, T replaced by C.
Protein change: p.Val993Ala; replaces valine 993 with alanine.
Molecular consequence: missense variant.
Genome position (GRCh38, 1-based): chr1:44,826,386, A>G on the plus strand (T>C on the coding strand, the complement: PTCH2 is on the minus strand). VCF-style: chr1-44826386-A-G. GRCh37 (hg19) VCF-style: chr1-45292058-A-G.
Other names: c.2978T>C, p.Val993Ala (NM_001166292.2); short protein forms V993A.
Identifiers: ClinVar variation 3427356 (VCV003427356.2).
Genomic context (GRCh38, chr1:44,826,386, plus strand): 5'-TTGATGCCCAGGAAACCCATGATACCAAAGAGTTCCACTGTCATCATCGCCAGGACCAGC[A>G]CCTGAGGGAGACAGGGCTCACAGAGGGCTCCTGGCAGGAGGGATGACAGGCTGGGCAGGG-3'
Protein context (NP_003729.3, residues 983-1003): LLNPWTAGLI[Val993Ala]LVLAMMTVEL